The following is an entry in ClinVar:

NM_017636.4(TRPM4):c.1600G>C (p.Gly534Arg)

Gene: TRPM4 (transient receptor potential cation channel subfamily M member 4; plus strand). Cytogenetic location: 19q13.33.
Variant type: single nucleotide variant.
Coding change: c.1600G>C on transcript NM_017636.4 (MANE Select); coding-DNA position 1600, G replaced by C.
Protein change: p.Gly534Arg; replaces glycine 534 with arginine.
Molecular consequence: missense variant. On other transcripts: intron variant (1).
Genome position (GRCh38, 1-based): chr19:49,182,914, G>C. VCF-style: chr19-49182914-G-C. GRCh37 (hg19) VCF-style: chr19-49686171-G-C.
Other names: c.1600G>C (NM_017636.3); c.1600G>C, p.Gly534Arg (NM_001195227.2); c.1255G>C, p.Gly419Arg (NM_001321281.2); c.1078G>C, p.Gly360Arg (NM_001321283.2); c.538G>C, p.Gly180Arg (NM_001321285.2); c.-1+47G>C (NM_001321282.2); short protein forms G180R, G360R, G419R, G534R.
Identifiers: ClinVar variation 1012457 (VCV001012457.16), dbSNP rs781575129, ClinGen allele CA9569230.

ClinVar aggregate classification (germline): Conflicting classifications of pathogenicity. Review status: criteria provided, conflicting classifications (1 of 4 stars). 2 submissions from 2 submitters: Uncertain significance (1); Likely benign (1). Last evaluated 2025-11-12.

Conditions:
Cardiovascular phenotype. Identifiers: MedGen CN230736.
Progressive familial heart block type IB (PFHB1B). Identifiers: Orphanet 871, MedGen C1970298, MONDO:0011474, OMIM 604559.

Allele frequency attached by ClinVar (database versions not stated): gnomAD 0.00002; TOPMed 0.00008; gnomAD exomes 0.00009; ExAC 0.00012.

Submissions (2):

Labcorp Genetics (formerly Invitae), Labcorp
Classification: Uncertain significance for Progressive familial heart block type IB. Last evaluated: 2025-11-12. Review status: criteria provided, single submitter. Criteria: Invitae Variant Classification Sherloc (09022015). Collection method: clinical testing. Allele origin: germline.
Comment: This sequence change replaces glycine, which is neutral and non-polar, with arginine, which is basic and polar, at codon 534 of the TRPM4 protein (p.Gly534Arg). The frequency data for this variant in the population databases is considered unreliable, as metrics indicate poor data quality at this position in the gnomAD database. This missense change has been observed in individual(s) with sudden unexplained death (PMID: 30391667). ClinVar contains an entry for this variant (Variation ID: 1012457). An algorithm developed to predict the effect of missense changes on protein structure and function outputs the following: PolyPhen-2: "Benign". The arginine amino acid residue is found in multiple mammalian species, which suggests that this missense change does not adversely affect protein function. In summary, the available evidence is currently insufficient to determine the role of this variant in disease. Therefore, it has been classified as a Variant of Uncertain Significance.

Ambry Genetics
Classification: Likely benign for Cardiovascular phenotype. Last evaluated: 2024-04-18. Review status: criteria provided, single submitter. Criteria: Ambry Variant Classification Scheme 2023. Collection method: clinical testing. Allele origin: germline.

Literature cited by the submitters: PubMed 30391667 (cited by Labcorp Genetics (formerly Invitae), Labcorp).